The following is an entry in ClinVar:

NM_000535.7(PMS2):c.1948G>T (p.Ala650Ser)

Gene: PMS2 (PMS1 homolog 2, mismatch repair system component; minus strand). Cytogenetic location: 7p22.1.
Variant type: single nucleotide variant.
Coding change: c.1948G>T on transcript NM_000535.7 (MANE Select); coding-DNA position 1948, G replaced by T.
Protein change: p.Ala650Ser; replaces alanine 650 with serine.
Molecular consequence: missense variant. On other transcripts: non-coding transcript variant (1), intron variant (1).
Genome position (GRCh38, 1-based): chr7:5,986,817, C>A on the plus strand (G>T on the coding strand, the complement: PMS2 is on the minus strand). VCF-style: chr7-5986817-C-A. GRCh37 (hg19) VCF-style: chr7-6026448-C-A.
Other names: c.1543G>T, p.Ala515Ser (NM_001018040.1, NM_001322003.2, NM_001322004.2 and 17 more transcripts); c.1792G>T, p.Ala598Ser (NM_001322006.2, NM_001406870.1); c.1630G>T, p.Ala544Ser (NM_001322007.2, NM_001322008.2, NM_001406903.1 and 2 more transcripts); c.1387G>T, p.Ala463Ser (NM_001322010.2, NM_001406906.1, NM_001406907.1); c.1015G>T, p.Ala339Ser (NM_001322011.2, NM_001322012.2); c.1375G>T, p.Ala459Ser (NM_001322013.2, NM_001406909.1); c.1948G>T, p.Ala650Ser (NM_001322014.2, NM_001406871.1, NM_001406872.1); c.1639G>T, p.Ala547Ser (NM_001322015.2, NM_001406875.1, NM_001406877.1 and 5 more transcripts); and 13 more; short protein forms A479S, A584S, A712S, A393S, A459S, A463S, A515S, A528S.
Identifiers: ClinVar variation 2853103 (VCV002853103.3), dbSNP rs1782930647, ClinGen allele CA366739110.

ClinVar aggregate classification (germline): Uncertain significance (1 of 4 stars; one submission).

Conditions:
Hereditary nonpolyposis colorectal neoplasms. Identifiers: MedGen C0009405, MeSH D003123.

Submission:

Labcorp Genetics (formerly Invitae), Labcorp
Classification: Uncertain significance for Hereditary nonpolyposis colorectal neoplasms. Last evaluated: 2023-04-07. Review status: criteria provided, single submitter. Criteria: Invitae Variant Classification Sherloc (09022015). Collection method: clinical testing. Allele origin: germline.
Comment: In summary, the available evidence is currently insufficient to determine the role of this variant in disease. Therefore, it has been classified as a Variant of Uncertain Significance. Advanced modeling of protein sequence and biophysical properties (such as structural, functional, and spatial information, amino acid conservation, physicochemical variation, residue mobility, and thermodynamic stability) has been performed at Invitae for this missense variant, however the output from this modeling did not meet the statistical confidence thresholds required to predict the impact of this variant on PMS2 protein function. This variant has not been reported in the literature in individuals affected with PMS2-related conditions. This variant is not present in population databases (gnomAD no frequency). This sequence change replaces alanine, which is neutral and non-polar, with serine, which is neutral and polar, at codon 650 of the PMS2 protein (p.Ala650Ser).